The following is an entry in ClinVar:

ClinVar aggregate classification (germline): Uncertain significance. Review status: criteria provided, multiple submitters, no conflicts (2 of 4 stars). 2 submissions from 2 submitters: Uncertain significance (2). Last evaluated 2025-12-30.

Conditions:
Neuroblastoma, susceptibility to, 3. Also called: ALK-Related Neuroblastic Tumor Susceptibility. Identifiers: Orphanet 635, MedGen C2751681, MONDO:0013083, OMIM 613014.
Hereditary cancer-predisposing syndrome. Also called: Neoplastic Syndromes, Hereditary; Tumor predisposition; Hereditary Cancer Syndrome; Hereditary neoplastic syndrome. Identifiers: Orphanet 140162, MedGen C0027672, MeSH D009386, MONDO:0015356.

Submissions (2):

Ambry Genetics
Classification: Uncertain significance for Hereditary cancer-predisposing syndrome. Last evaluated: 2025-12-30. Review status: criteria provided, single submitter. Criteria: Ambry Variant Classification Scheme 2023. Collection method: clinical testing. Allele origin: germline.
Comment: The p.G199A variant (also known as c.596G>C), located in coding exon 1 of the ALK gene, results from a G to C substitution at nucleotide position 596. The glycine at codon 199 is replaced by alanine, an amino acid with similar properties. This amino acid position is conserved. In addition, this alteration is predicted to be deleterious by in silico analysis. Based on the available evidence, the clinical significance of this variant remains unclear.

Labcorp Genetics (formerly Invitae), Labcorp
Classification: Uncertain significance for Neuroblastoma, susceptibility to, 3. Last evaluated: 2023-08-17. Review status: criteria provided, single submitter. Criteria: Invitae Variant Classification Sherloc (09022015). Collection method: clinical testing. Allele origin: germline.
Comment: This sequence change replaces glycine, which is neutral and non-polar, with alanine, which is neutral and non-polar, at codon 199 of the ALK protein (p.Gly199Ala). In summary, the available evidence is currently insufficient to determine the role of this variant in disease. Therefore, it has been classified as a Variant of Uncertain Significance. An algorithm developed to predict the effect of missense changes on protein structure and function (PolyPhen-2) suggests that this variant is likely to be disruptive. This variant has not been reported in the literature in individuals affected with ALK-related conditions. This variant is not present in population databases (gnomAD no frequency).

NM_004304.5(ALK):c.596G>C (p.Gly199Ala)

Gene: ALK (ALK receptor tyrosine kinase; minus strand). Cytogenetic location: 2p23.1.
Variant type: single nucleotide variant.
Coding change: c.596G>C on transcript NM_004304.5 (MANE Select); coding-DNA position 596, G replaced by C.
Protein change: p.Gly199Ala; replaces glycine 199 with alanine.
Molecular consequence: missense variant.
Genome position (GRCh38, 1-based): chr2:29,920,064, C>G on the plus strand (G>C on the coding strand, the complement: ALK is on the minus strand). VCF-style: chr2-29920064-C-G. GRCh37 (hg19) VCF-style: chr2-30142930-C-G.
Other names: c.596G>C (NM_004304.4); short protein forms G199A.
Identifiers: ClinVar variation 2984282 (VCV002984282.4), dbSNP rs1292996434, ClinGen allele CA346589722.
Genomic context (GRCh38, chr2:29,920,064, plus strand): 5'-ATCTGGAAGAGAAGGCGGGGCTGGGAGGCGCGAATTGCCGCGGACAGCCTTCCCTCTCTG[C>G]CCACTTCCGACGCCTTCTTCTCGGGCATCAGGCGGATCCTCAGTCGCCCTTCGCCTTGGC-3'
Protein context (NP_004295.2, residues 189-209): LMPEKKASEV[Gly199Ala]REGRLSAAIR